The following is an entry in ClinVar:

NM_000372.5(TYR):c.1185T>C (p.Ser395=)

Gene: TYR (tyrosinase; plus strand). Cytogenetic location: 11q14.3.
Variant type: single nucleotide variant.
Coding change: c.1185T>C on transcript NM_000372.5 (MANE Select); coding-DNA position 1185, T replaced by C.
Protein change: p.Ser395=; no amino-acid change (serine 395 retained).
Molecular consequence: synonymous variant.
Genome position (GRCh38, 1-based): chr11:89,284,773, T>C. VCF-style: chr11-89284773-T-C. GRCh37 (hg19) VCF-style: chr11-89017941-T-C.
Identifiers: ClinVar variation 1916271 (VCV001916271.5), dbSNP rs763863353, ClinGen allele CA6221378.

ClinVar aggregate classification (germline): Uncertain significance (1 of 4 stars; one submission).

Allele frequency attached by ClinVar (database versions not stated): gnomAD exomes below 0.00001; ExAC 0.00001; gnomAD 0.00001; TOPMed 0.00002.
gnomAD v4.1: 4 of 1,611,314 alleles (0.00025%); highest among the groups gnomAD compares: African/African-American, 0.004%; no homozygotes.

Submission:

Labcorp Genetics (formerly Invitae), Labcorp
Classification: Uncertain significance. Last evaluated: 2022-09-27. Review status: criteria provided, single submitter. Criteria: Invitae Variant Classification Sherloc (09022015). Collection method: clinical testing. Allele origin: germline.
Comment: Algorithms developed to predict the effect of sequence changes on RNA splicing suggest that this variant is not likely to affect RNA splicing. In summary, the available evidence is currently insufficient to determine the role of this variant in disease. Therefore, it has been classified as a Variant of Uncertain Significance. This variant has not been reported in the literature in individuals affected with TYR-related conditions. This variant is present in population databases (rs763863353, gnomAD 0.007%). This sequence change affects codon 395 of the TYR mRNA. It is a 'silent' change, meaning that it does not change the encoded amino acid sequence of the TYR protein. It affects a nucleotide within the consensus splice site.